The following is an entry in ClinVar:

NM_000487.6(ARSA):c.518G>A (p.Gly173Asp)

Gene: ARSA (arylsulfatase A; minus strand). Cytogenetic location: 22q13.33.
Variant type: single nucleotide variant.
Coding change: c.518G>A on transcript NM_000487.6 (MANE Select); coding-DNA position 518, G replaced by A.
Protein change: p.Gly173Asp; replaces glycine 173 with aspartic acid.
Molecular consequence: missense variant.
Genome position (GRCh38, 1-based): chr22:50,627,000, C>T on the plus strand (G>A on the coding strand, the complement: ARSA is on the minus strand). VCF-style: chr22-50627000-C-T. GRCh37 (hg19) VCF-style: chr22-51065428-C-T.
Other names: c.518G>A, p.Gly173Asp (NM_001085425.3, NM_001085426.3, NM_001085427.3); c.260G>A, p.Gly87Asp (NM_001085428.3, NM_001362782.2); short protein forms G173D, G87D.
Identifiers: ClinVar variation 2007987 (VCV002007987.4), dbSNP rs1041045339, ClinGen allele CA325531529.
Genomic context (GRCh38, chr22:50,627,000, plus strand): 5'-GGCTGCGCCTCCACGGACAGGTTGGCCAACAGTGGGATGGGGACCAGGCCCTGGTCACAG[C>T]CACCGTCGCAAGGAGTGGCCGGCGGGAAGCAGGTCAGGTTCTGGCAGGGGCCCTGAGGCG-3'
Protein context (NP_000478.3, residues 163-183): CFPPATPCDG[Gly173Asp]CDQGLVPIPL

ClinVar aggregate classification (germline): Uncertain significance (1 of 4 stars; one submission).

Conditions:
Metachromatic leukodystrophy (MLD). Also called: METACHROMATIC LEUKOENCEPHALOPATHY; SULFATIDE LIPIDOSIS; Cerebral sclerosis diffuse metachromatic form; Arylsulfatase A Deficiency; ARSA DEFICIENCY; CEREBROSIDE SULFATASE DEFICIENCY. Identifiers: Orphanet 512, MedGen C0023522, MONDO:0018868, OMIM 250100.

Submission:

Labcorp Genetics (formerly Invitae), Labcorp
Classification: Uncertain significance for Metachromatic leukodystrophy. Last evaluated: 2025-04-14. Review status: criteria provided, single submitter. Criteria: Invitae Variant Classification Sherloc (09022015). Collection method: clinical testing. Allele origin: germline.
Comment: This sequence change replaces glycine, which is neutral and non-polar, with aspartic acid, which is acidic and polar, at codon 173 of the ARSA protein (p.Gly173Asp). This variant is not present in population databases (gnomAD no frequency). This variant has not been reported in the literature in individuals affected with ARSA-related conditions. ClinVar contains an entry for this variant (Variation ID: 2007987). Invitae Evidence Modeling of protein sequence and biophysical properties (such as structural, functional, and spatial information, amino acid conservation, physicochemical variation, residue mobility, and thermodynamic stability) has been performed for this missense variant. However, the output from this modeling did not meet the statistical confidence thresholds required to predict the impact of this variant on ARSA protein function. In summary, the available evidence is currently insufficient to determine the role of this variant in disease. Therefore, it has been classified as a Variant of Uncertain Significance.